The following is an entry in ClinVar:

NM_005422.4(TECTA):c.2367+2T>C

Genes: TECTA (tectorin alpha; plus strand), TBCEL-TECTA (TBCEL-TECTA readthrough; plus strand). Cytogenetic location: 11q23.3.
Variant type: single nucleotide variant.
Coding change: c.2367+2T>C on transcript NM_005422.4 (MANE Select); the canonical splice donor site of the intron after coding-DNA position 2367, T replaced by C.
Molecular consequence: splice donor variant.
Genome position (GRCh38, 1-based): chr11:121,128,346, T>C. VCF-style: chr11-121128346-T-C. GRCh37 (hg19) VCF-style: chr11-120999055-T-C.
Other names: c.3324+2T>C (NM_001378761.1).
Identifiers: ClinVar variation 3375234 (VCV003375234.2).

ClinVar aggregate classification (germline): Likely pathogenic. Review status: criteria provided, multiple submitters, no conflicts (2 of 4 stars). 2 submissions from 2 submitters: Likely pathogenic (2). Last evaluated 2025-09-26.

Conditions:
Autosomal recessive nonsyndromic hearing loss 21. Identifiers: Orphanet 90636, MedGen C1863655, MONDO:0011351, OMIM 603629.

gnomAD v4.1: 3 of 1,599,194 alleles (0.00019%); highest among the groups gnomAD compares: East Asian, 0.0067%; no homozygotes.

Submissions (2):

GeneDx
Classification: Likely pathogenic. Last evaluated: 2025-09-26. Review status: criteria provided, single submitter. Criteria: GeneDx Variant Classification Process June 2021. Collection method: clinical testing. Allele origin: germline. Affected: yes.
Comment: Reported with a second variant (phase unknown) in patient with a neurodevelopmental disorder in published literature (PMID: 33994118); Canonical splice site variant predicted to result in a null allele in a gene for which loss of function is a known mechanism of disease; This variant is associated with the following publications: (PMID: 33994118)

Women's Health and Genetics/Laboratory Corporation of America, LabCorp
Classification: Likely pathogenic for Autosomal recessive nonsyndromic hearing loss 21. Last evaluated: 2024-09-24. Review status: criteria provided, single submitter. Criteria: LabCorp Variant Classification Summary - May 2015. Collection method: clinical testing. Allele origin: germline.
Comment: Variant summary: TECTA c.2367+2T>C is located in a canonical splice-site and is predicted to affect mRNA splicing resulting in a significantly altered protein due to either exon skipping, shortening, or inclusion of intronic material. Variants that disrupt the consensus splice site are a relatively common cause of aberrant splicing and loss of TECTA function. Several computational tools predict a significant impact on normal splicing: Three predict the variant abolishes a 5' splicing donor site. One predict the variant no significant impact on splicing. However, these predictions have yet to be confirmed by functional studies. The variant allele was found at a frequency of 8.5e-06 in 234220 control chromosomes. To our knowledge, no occurrence of c.2367+2T>C in individuals affected with Deafness, Autosomal Recessive 21 and no experimental evidence demonstrating its impact on protein function have been reported. No submitters have cited clinical-significance assessments for this variant to ClinVar. Based on the evidence outlined above, the variant was classified as likely pathogenic.